The following is an entry in ClinVar:

ClinVar aggregate classification (germline): Uncertain significance. Review status: criteria provided, multiple submitters, no conflicts (2 of 4 stars). 2 submissions from 2 submitters: Uncertain significance (2). Last evaluated 2026-04-11.

Conditions:
Cardiovascular phenotype. Identifiers: MedGen CN230736.

gnomAD v4.1: 2 of 1,550,568 alleles (0.00013%); highest among the groups gnomAD compares: Non-Finnish European, 0.000087%; no homozygotes.

Submissions (2):

Ambry Genetics
Classification: Uncertain significance for Cardiovascular phenotype. Last evaluated: 2026-04-11. Review status: criteria provided, single submitter. Criteria: Ambry Variant Classification Scheme 2023. Collection method: clinical testing. Allele origin: germline.
Comment: The p.G3870R variant (also known as c.11608G>C), located in coding exon 2 of the ZNF469 gene, results from a G to C substitution at nucleotide position 11608. The glycine at codon 3870 is replaced by arginine, an amino acid with dissimilar properties. This amino acid position is conserved. In addition, this alteration is predicted to be tolerated by in silico analysis. Based on the available evidence, the clinical significance of this variant remains unclear.

Labcorp Genetics (formerly Invitae), Labcorp
Classification: Uncertain significance. Last evaluated: 2025-06-26. Review status: criteria provided, single submitter. Criteria: Invitae Variant Classification Sherloc (09022015). Collection method: clinical testing. Allele origin: germline.
Comment: This sequence change replaces glycine, which is neutral and non-polar, with arginine, which is basic and polar, at codon 3870 of the ZNF469 protein (p.Gly3870Arg). This variant is not present in population databases (gnomAD no frequency). This variant has not been reported in the literature in individuals affected with ZNF469-related conditions. ClinVar contains an entry for this variant (Variation ID: 3476307). An algorithm developed to predict the effect of missense changes on protein structure and function outputs the following: PolyPhen-2: "Benign". The arginine amino acid residue is found in multiple mammalian species, which suggests that this missense change does not adversely affect protein function. In summary, the available evidence is currently insufficient to determine the role of this variant in disease. Therefore, it has been classified as a Variant of Uncertain Significance.

NM_001367624.2(ZNF469):c.11692G>C (p.Gly3898Arg)

Gene: ZNF469 (zinc finger protein 469; plus strand). Cytogenetic location: 16q24.2.
Variant type: single nucleotide variant.
Coding change: c.11692G>C on transcript NM_001367624.2 (MANE Select); coding-DNA position 11692, G replaced by C.
Protein change: p.Gly3898Arg; replaces glycine 3898 with arginine.
Molecular consequence: missense variant.
Genome position (GRCh38, 1-based): chr16:88,439,162, G>C. VCF-style: chr16-88439162-G-C. GRCh37 (hg19) VCF-style: chr16-88505570-G-C.
Other names: NM_001127464.1:c.11608G>C; short protein forms G3898R.
Identifiers: ClinVar variation 3476307 (VCV003476307.3).